The following is an entry in ClinVar:

NM_138694.4(PKHD1):c.5310_5311del (p.Cys1770fs)

Gene: PKHD1 (PKHD1 ciliary IPT domain containing fibrocystin/polyductin; minus strand). Cytogenetic location: 6p12.2.
Variant type: Microsatellite.
Coding change: c.5310_5311del on transcript NM_138694.4 (MANE Select); coding-DNA positions 5310 to 5311, 2 bases deleted (TG; older notation c.5310_5311delTG).
Protein change: p.Cys1770fs; shifts the reading frame from cysteine 1770.
Molecular consequence: frameshift variant.
Genome position (GRCh38, 1-based): chr6:52,022,870-52,022,871, CA deleted on the plus strand (TG on the coding strand, the reverse complement: PKHD1 is on the minus strand); deleting any 2 consecutive bases within chr6:52,022,870-52,022,877 gives the same sequence; the c. name uses the placement nearest the transcript's 3' end. VCF-style (leftmost placement, unchanged base first): chr6-52022869-CCA-C. GRCh37 (hg19) VCF-style: chr6-51887667-CCA-C.
Other names: c.5310_5311del, p.Cys1770fs (NM_170724.3); short protein forms C1770fs.
Identifiers: ClinVar variation 2696276 (VCV002696276.3), dbSNP rs2532655171, ClinGen allele CA2697553411.

ClinVar aggregate classification (germline): Pathogenic (1 of 4 stars; one submission).

Conditions:
Autosomal recessive polycystic kidney disease (ARPKD). Also called: AR polycystic kidney disease. Identifiers: Orphanet 731, Orphanet 8378, MedGen C0085548, MeSH D017044, MONDO:0009889.

Submission:

Labcorp Genetics (formerly Invitae), Labcorp
Classification: Pathogenic for Autosomal recessive polycystic kidney disease. Last evaluated: 2023-11-15. Review status: criteria provided, single submitter. Criteria: Invitae Variant Classification Sherloc (09022015). Collection method: clinical testing. Allele origin: germline.
Comment: This sequence change creates a premature translational stop signal (p.Cys1770Trpfs*9) in the PKHD1 gene. It is expected to result in an absent or disrupted protein product. Loss-of-function variants in PKHD1 are known to be pathogenic (PMID: 19940839). This variant is not present in population databases (gnomAD no frequency). This variant has not been reported in the literature in individuals affected with PKHD1-related conditions. For these reasons, this variant has been classified as Pathogenic.

Literature cited by the submitters: PubMed 19940839.